The following is an entry in ClinVar:

NM_004656.4(BAP1):c.1559C>G (p.Ser520Cys)

Gene: BAP1 (BRCA1 associated deubiquitinase 1; minus strand). Cytogenetic location: 3p21.1.
Variant type: single nucleotide variant.
Coding change: c.1559C>G on transcript NM_004656.4 (MANE Select); coding-DNA position 1559, C replaced by G.
Protein change: p.Ser520Cys; replaces serine 520 with cysteine.
Molecular consequence: missense variant.
Genome position (GRCh38, 1-based): chr3:52,403,586, G>C on the plus strand (C>G on the coding strand, the complement: BAP1 is on the minus strand). VCF-style: chr3-52403586-G-C. GRCh37 (hg19) VCF-style: chr3-52437602-G-C.
Other names: c.1505C>G, p.Ser502Cys (NM_001410772.1); short protein forms S520C, S502C.
Identifiers: ClinVar variation 3986821 (VCV003986821.1).

ClinVar aggregate classification (germline): Uncertain significance (1 of 4 stars; one submission).

Conditions:
Hereditary cancer-predisposing syndrome. Also called: Tumor predisposition; Hereditary neoplastic syndrome; Neoplastic Syndromes, Hereditary; Hereditary Cancer Syndrome. Identifiers: Orphanet 140162, MedGen C0027672, MeSH D009386, MONDO:0015356.

Submission:

Ambry Genetics
Classification: Uncertain significance for Hereditary cancer-predisposing syndrome. Last evaluated: 2025-03-30. Review status: criteria provided, single submitter. Criteria: Ambry Variant Classification Scheme 2023. Collection method: clinical testing. Allele origin: germline.
Comment: The p.S520C variant (also known as c.1559C>G), located in coding exon 13 of the BAP1 gene, results from a C to G substitution at nucleotide position 1559. The serine at codon 520 is replaced by cysteine, an amino acid with dissimilar properties. This amino acid position is conserved. In addition, the in silico prediction for this alteration is inconclusive. Based on the available evidence, the clinical significance of this variant remains unclear.